The following is an entry in ClinVar:

ClinVar aggregate classification (germline): Uncertain significance (1 of 4 stars; one submission).

Conditions:
Hereditary cancer-predisposing syndrome. Also called: Neoplastic Syndromes, Hereditary; Tumor predisposition; Hereditary Cancer Syndrome; Hereditary neoplastic syndrome. Identifiers: Orphanet 140162, MedGen C0027672, MeSH D009386, MONDO:0015356.

Submission:

Ambry Genetics
Classification: Uncertain significance for Hereditary cancer-predisposing syndrome. Last evaluated: 2026-05-04. Review status: criteria provided, single submitter. Criteria: Ambry Variant Classification Scheme 2023. Collection method: clinical testing. Allele origin: germline.
Comment: The p.A59T variant (also known as c.175G>A), located in coding exon 2 of the ATM gene, results from a G to A substitution at nucleotide position 175. The alanine at codon 59 is replaced by threonine, an amino acid with similar properties. In an assay testing ATM function, this variant showed a functionally abnormal result (Lee KS et al. Cell, 2025 Sep;188:5081-5099.e27). This amino acid position is well conserved in available vertebrate species. In addition, this alteration is predicted to be tolerated by in silico analysis. Based on the available evidence, the clinical significance of this variant remains unclear.

Literature cited by the submitters: PubMed 40580951.

NM_000051.4(ATM):c.175G>A (p.Ala59Thr)

Gene: ATM (ATM serine/threonine kinase; plus strand). Cytogenetic location: 11q22.3.
Variant type: single nucleotide variant.
Coding change: c.175G>A on transcript NM_000051.4 (MANE Select); coding-DNA position 175, G replaced by A.
Protein change: p.Ala59Thr; replaces alanine 59 with threonine.
Molecular consequence: missense variant.
Genome position (GRCh38, 1-based): chr11:108,227,878, G>A. VCF-style: chr11-108227878-G-A. GRCh37 (hg19) VCF-style: chr11-108098605-G-A.
Other names: c.175G>A, p.Ala59Thr (NM_001351834.2, NM_001351835.2, NM_001351836.2); short protein forms A59T.
Identifiers: ClinVar variation 4866415 (VCV004866415.1).